The following is an entry in ClinVar:

ClinVar aggregate classification (germline): Benign. Review status: criteria provided, multiple submitters, no conflicts (2 of 4 stars). 2 submissions from 2 submitters: Benign (2). Last evaluated 2018-01-12.

Conditions:
Cerebral cavernous malformation 3. Also called: Familial Cerebral Cavernous Malformation 3. Identifiers: Orphanet 221061, MedGen C1864040, MONDO:0011305, OMIM 603285.

Allele frequency attached by ClinVar (database versions not stated): gnomAD exomes 0.00070; 1000 Genomes Project 0.00559; 1000 Genomes Project 30x 0.00578; gnomAD 0.00596 and 0.00636; TOPMed 0.00669.
gnomAD v4.1: 1,310 of 688,896 alleles (0.19%); highest among the groups gnomAD compares: African/African-American, 2.1%; 16 homozygotes.

Submissions (2):

Illumina Laboratory Services, Illumina
Classification: Benign for Cerebral cavernous malformation 3. Last evaluated: 2018-01-12. Review status: criteria provided, single submitter. Criteria: ICSL Variant Classification Criteria 13 December 2019. Collection method: clinical testing. Allele origin: germline.
Comment: This variant was observed in the ICSL laboratory as part of a predisposition screen in an ostensibly healthy population. It had not been previously curated by ICSL or reported in the Human Gene Mutation Database (HGMD: prior to June 1st, 2018), and was therefore a candidate for classification through an automated scoring system. Utilizing variant allele frequency, disease prevalence and penetrance estimates, and inheritance mode, an automated score was calculated to assess if this variant is too frequent to cause the disease. Based on the score and internal cut-off values, a variant classified as benign is not then subjected to further curation. The score for this variant resulted in a classification of benign for this disease.

ARUP Laboratories, Molecular Genetics and Genomics, ARUP Laboratories
Classification: Benign. Last evaluated: 2017-05-09. Review status: criteria provided, single submitter. Criteria: ARUP Molecular Germline Variant Investigation Process. Collection method: clinical testing. Allele origin: germline.

NM_007217.4(PDCD10):c.-116-9T>C

Gene: PDCD10 (programmed cell death 10; minus strand). Cytogenetic location: 3q26.1.
Variant type: single nucleotide variant.
Coding change: c.-116-9T>C on transcript NM_007217.4 (MANE Select); 9 bases into the intron before 116 bases upstream of the start codon, T replaced by C.
Molecular consequence: intron variant.
Genome position (GRCh38, 1-based): chr3:167,720,282, A>G on the plus strand (T>C on the coding strand, the complement: PDCD10 is on the minus strand). VCF-style: chr3-167720282-A-G. GRCh37 (hg19) VCF-style: chr3-167438070-A-G.
Other names: c.-116-9T>C (NM_145860.2, NM_145859.2).
Identifiers: ClinVar variation 344111 (VCV000344111.12), dbSNP rs146858915, ClinGen allele CA10617687.